The following is an entry in ClinVar:

ClinVar aggregate classification (germline): Uncertain significance. Review status: criteria provided, multiple submitters, no conflicts (2 of 4 stars). 2 submissions from 2 submitters: Uncertain significance (2). Last evaluated 2026-01-07.

Conditions:
Dilated cardiomyopathy 1G (CMD1G). Identifiers: Orphanet 154, MedGen C1858763, MONDO:0011400, OMIM 604145.
Autosomal recessive limb-girdle muscular dystrophy type 2J (LGMDR10). Also called: Limb-girdle muscular dystrophy, type 2J; MUSCULAR DYSTROPHY, LIMB-GIRDLE, AUTOSOMAL RECESSIVE 10. Identifiers: Orphanet 140922, MedGen C1837342, MONDO:0012127, OMIM 608807.

Allele frequency attached by ClinVar (database versions not stated): gnomAD exomes below 0.00001; TOPMed below 0.00001.
gnomAD v4.1: 2 of 1,608,686 alleles (0.00012%); highest among the groups gnomAD compares: Admixed American, 0.0033%; no homozygotes.

Submissions (2):

Labcorp Genetics (formerly Invitae), Labcorp
Classification: Uncertain significance for Dilated cardiomyopathy 1G; Autosomal recessive limb-girdle muscular dystrophy type 2J. Last evaluated: 2026-01-07. Review status: criteria provided, single submitter. Criteria: Invitae Variant Classification Sherloc (09022015). Collection method: clinical testing. Allele origin: germline.
Comment: This sequence change replaces serine, which is neutral and polar, with arginine, which is basic and polar, at codon 33918 of the TTN protein (p.Ser33918Arg). This variant is present in population databases (no rsID available, gnomAD 0.003%). This variant has not been reported in the literature in individuals affected with TTN-related conditions. ClinVar contains an entry for this variant (Variation ID: 517242). Experimental studies and prediction algorithms are not available or were not evaluated, and the functional significance of this variant is currently unknown. This variant is located in the M band of TTN (PMID: 25589632). Non-truncating variants in this region may be relevant for neuromuscular disorders, but have not been definitively shown to cause cardiomyopathy (PMID: 23975875). In summary, the available evidence is currently insufficient to determine the role of this variant in disease. Therefore, it has been classified as a Variant of Uncertain Significance.

Laboratory for Molecular Medicine, Mass General Brigham Personalized Medicine
Classification: Uncertain significance. Last evaluated: 2017-01-20. Review status: criteria provided, single submitter. Criteria: LMM Criteria. Collection method: clinical testing. Allele origin: germline. Observed: 1 variant allele.
Comment: The p.Ser31350Arg variant in TTN has not been previously reported in individuals with cardiomyopathy or in large population studies. Computational prediction to ols and conservation analysis do not provide strong support for or against an im pact to the protein. In summary, the clinical significance of the p.Ser31350Arg variant is uncertain.

Literature cited by the submitters: PubMed 25589632 (cited by Labcorp Genetics (formerly Invitae), Labcorp); PubMed 23975875 (cited by Labcorp Genetics (formerly Invitae), Labcorp).

NM_001267550.2(TTN):c.101754T>G (p.Ser33918Arg)

Genes: TTN (titin; minus strand), TTN-AS1 (TTN antisense RNA 1; plus strand). Cytogenetic location: 2q31.2.
Variant type: single nucleotide variant.
Coding change: c.101754T>G on transcript NM_001267550.2 (MANE Select); coding-DNA position 101754, T replaced by G.
Protein change: p.Ser33918Arg; replaces serine 33918 with arginine.
Molecular consequence: missense variant.
Genome position (GRCh38, 1-based): chr2:178,534,861, A>C on the plus strand (T>G on the coding strand, the complement: TTN is on the minus strand). VCF-style: chr2-178534861-A-C. GRCh37 (hg19) VCF-style: chr2-179399588-A-C.
Other names: c.94050T>G, p.Ser31350Arg (NM_133378.4); c.96831T>G, p.Ser32277Arg (NM_001256850.1); c.74559T>G, p.Ser24853Arg (NM_003319.4); c.74934T>G, p.Ser24978Arg (NM_133432.3); c.75135T>G, p.Ser25045Arg (NM_133437.4); short protein forms S31350R, S33918R, S24978R, S25045R, S24853R, S32277R.
Identifiers: ClinVar variation 517242 (VCV000517242.11), dbSNP rs952080555, ClinGen allele CA60959689.
Genomic context (GRCh38, chr2:178,534,861, plus strand): 5'-AAAGTGTCCAATATTATGACTGTGTAAAAACTGAAGTGCTTCACAGACCTGGTGAACATA[A>C]CTTACAATTTCTCTTTCATTAAGTTCAAAAGCACTTGTGTTAATGCGCTCAAATATGTCA-3'
Protein context (NP_001254479.2, residues 33908-33928): AFELNEREIV[Ser33918Arg]YVHQVCEALQ